The following is an entry in ClinVar:

NM_001009944.3(PKD1):c.5746G>C (p.Ala1916Pro)

Gene: PKD1 (polycystin 1, transient receptor potential channel interacting; minus strand). Cytogenetic location: 16p13.3.
Variant type: single nucleotide variant.
Coding change: c.5746G>C on transcript NM_001009944.3 (MANE Select); coding-DNA position 5746, G replaced by C.
Protein change: p.Ala1916Pro; replaces alanine 1916 with proline.
Molecular consequence: missense variant.
Genome position (GRCh38, 1-based): chr16:2,109,421, C>G on the plus strand (G>C on the coding strand, the complement: PKD1 is on the minus strand). VCF-style: chr16-2109421-C-G. GRCh37 (hg19) VCF-style: chr16-2159422-C-G.
Other names: c.5746G>C, p.Ala1916Pro (NM_000296.4); c.5746G>C (NM_000296.3); short protein forms A1916P.
Identifiers: ClinVar variation 1300923 (VCV001300923.7), dbSNP rs773527738, ClinGen allele CA7831874.

ClinVar aggregate classification (germline): Conflicting classifications of pathogenicity. Review status: criteria provided, conflicting classifications (1 of 4 stars). 4 submissions from 4 submitters: Uncertain significance (2); Likely benign (1). 1 of the submissions does not count toward it. Last evaluated 2024-03-07.

Conditions:
PKD1-related disorder. Also called: PKD1-related condition.
Inborn genetic diseases. Identifiers: MedGen C0950123, MeSH D030342.
Polycystic kidney disease, adult type (PKD1). Also called: Polycystic Kidney Disease 1, Autosomal Dominant; Polycystic kidney disease 1; Polycystic kidney disease 1, severe; POLYCYSTIC KIDNEY DISEASE 1 WITH OR WITHOUT POLYCYSTIC LIVER DISEASE; POLYCYSTIC KIDNEY DISEASE, ADULT, TYPE I; Polycystic Kidney, Autosomal Dominant. Identifiers: MedGen C3149841, MONDO:0008263, OMIM 173900.

Allele frequency attached by ClinVar (database versions not stated): ExAC 0.00002; gnomAD exomes 0.00002; TOPMed 0.00002; gnomAD 0.00004.
gnomAD v4.1: 39 of 1,602,716 alleles (0.0024%); highest among the groups gnomAD compares: Non-Finnish European, 0.003%; no homozygotes.

Submissions (4):

Fulgent Genetics
Classification: Likely benign for Polycystic kidney disease, adult type. Last evaluated: 2024-03-07. Review status: criteria provided, single submitter. Criteria: ACMG Guidelines, 2015. Collection method: clinical testing. Allele origin: germline.

Ambry Genetics
Classification: Uncertain significance for Inborn genetic diseases. Last evaluated: 2023-04-26. Review status: criteria provided, single submitter. Criteria: Ambry Variant Classification Scheme 2023. Collection method: clinical testing. Allele origin: germline.

GeneDx
Classification: Uncertain significance. Last evaluated: 2021-10-05. Review status: criteria provided, single submitter. Criteria: GeneDx Variant Classification Process June 2021. Collection method: clinical testing. Allele origin: germline. Affected: yes.
Comment: In silico analysis supports that this missense variant does not alter protein structure/function; Has not been previously published as pathogenic or benign to our knowledge

PreventionGenetics, part of Exact Sciences
Classification: Uncertain significance for PKD1-related condition. Last evaluated: 2024-05-01. Review status: no assertion criteria provided. Collection method: clinical testing. Allele origin: germline. Not counted in ClinVar's aggregate classification.
Comment: The PKD1 c.5746G>C variant is predicted to result in the amino acid substitution p.Ala1916Pro. To our knowledge, this variant has not been reported in the literature. This variant is reported in 0.0057% of alleles in individuals of European (Non-Finnish) descent in gnomAD. At this time, the clinical significance of this variant is uncertain due to the absence of conclusive functional and genetic evidence.